The following is an entry in ClinVar:

ClinVar aggregate classification (germline): Uncertain significance. Review status: criteria provided, multiple submitters, no conflicts (2 of 4 stars). 2 submissions from 2 submitters: Uncertain significance (2). Last evaluated 2024-12-06.

Conditions:
Spastic paraplegia. Identifiers: MedGen C0037772, HP:0001258.

Allele frequency attached by ClinVar (database versions not stated): gnomAD exomes below 0.00001 and 0.00001; ExAC 0.00001; gnomAD 0.00001.
gnomAD v4.1: 8 of 1,613,684 alleles (0.0005%); highest among the groups gnomAD compares: African/African-American, 0.0027%; no homozygotes.

Submissions (2):

GeneDx
Classification: Uncertain significance. Last evaluated: 2024-12-06. Review status: criteria provided, single submitter. Criteria: GeneDx Variant Classification Process June 2021. Collection method: clinical testing. Allele origin: germline. Affected: yes.
Comment: Not observed at significant frequency in large population cohorts (gnomAD); In silico analysis supports a deleterious effect on splicing; Has not been previously published as pathogenic or benign to our knowledge

Labcorp Genetics (formerly Invitae), Labcorp
Classification: Uncertain significance for Spastic paraplegia. Last evaluated: 2021-10-14. Review status: criteria provided, single submitter. Criteria: Invitae Variant Classification Sherloc (09022015). Collection method: clinical testing. Allele origin: germline.
Comment: This sequence change falls in intron 13 of the ZFYVE26 gene. It does not directly change the encoded amino acid sequence of the ZFYVE26 protein. This variant is present in population databases (rs748220376, ExAC 0.002%). This variant has not been reported in the literature in individuals affected with ZFYVE26-related conditions. Algorithms developed to predict the effect of sequence changes on RNA splicing suggest that this variant may disrupt the consensus splice site. In summary, the available evidence is currently insufficient to determine the role of this variant in disease. Therefore, it has been classified as a Variant of Uncertain Significance.

NM_015346.4(ZFYVE26):c.2402-4A>G

Gene: ZFYVE26 (zinc finger FYVE-type containing 26; minus strand). Cytogenetic location: 14q24.1.
Variant type: single nucleotide variant.
Coding change: c.2402-4A>G on transcript NM_015346.4 (MANE Select); 4 bases into the intron before coding-DNA position 2402, A replaced by G.
Molecular consequence: intron variant.
Genome position (GRCh38, 1-based): chr14:67,793,763, T>C on the plus strand (A>G on the coding strand, the complement: ZFYVE26 is on the minus strand). VCF-style: chr14-67793763-T-C. GRCh37 (hg19) VCF-style: chr14-68260480-T-C.
Identifiers: ClinVar variation 1506612 (VCV001506612.6), dbSNP rs748220376, ClinGen allele CA7240285.